The following is an entry in ClinVar:

ClinVar aggregate classification (germline): Uncertain significance (1 of 4 stars; one submission).

Conditions:
ARID1B-Related Disorder. Identifiers: MedGen CN381337.

Submission:

PreventionGenetics, part of Exact Sciences
Classification: Uncertain significance for ARID1B-related condition. Last evaluated: 2025-10-21. Review status: criteria provided, single submitter. Criteria: ACMG Guidelines, 2015. Collection method: clinical testing. Allele origin: germline.
Comment: The ARID1B c.2485A>G variant is predicted to result in the amino acid substitution p.Ser829Gly. To our knowledge, this variant has not been reported in the literature or in a large population database (gnomAD), indicating this variant is rare. At this time, the clinical significance of this variant is uncertain due to the absence of conclusive functional and genetic evidence.

NM_001374828.1(ARID1B):c.2695A>G (p.Ser899Gly)

Gene: ARID1B (AT-rich interaction domain 1B; plus strand). Cytogenetic location: 6q25.3.
Variant type: single nucleotide variant.
Coding change: c.2695A>G on transcript NM_001374828.1 (MANE Select); coding-DNA position 2695, A replaced by G.
Protein change: p.Ser899Gly; replaces serine 899 with glycine.
Molecular consequence: missense variant.
Genome position (GRCh38, 1-based): chr6:157,133,141, A>G. VCF-style: chr6-157133141-A-G. GRCh37 (hg19) VCF-style: chr6-157454275-A-G.
Other names: c.2734A>G, p.Ser912Gly (NM_001374820.1, NM_001371656.1); c.2695A>G, p.Ser899Gly (NM_017519.3); c.2485A>G, p.Ser829Gly (NM_020732.3); c.2272A>G, p.Ser758Gly (NM_175863.2); c.2446A>G, p.Ser816Gly (NM_001346813.1); c.196A>G, p.Ser66Gly (NM_001363725.2); short protein forms S66G, S758G, S816G, S829G, S899G, S912G.
Identifiers: ClinVar variation 2630939 (VCV002630939.2), dbSNP rs2537640625, ClinGen allele CA366388438.